The following is an entry in ClinVar:

NM_022081.6(HPS4):c.764C>G (p.Ala255Gly)

Gene: HPS4 (HPS4 biogenesis of lysosomal organelles complex 3 subunit 2; minus strand). Cytogenetic location: 22q12.1.
Variant type: single nucleotide variant.
Coding change: c.764C>G on transcript NM_022081.6 (MANE Select); coding-DNA position 764, C replaced by G.
Protein change: p.Ala255Gly; replaces alanine 255 with glycine.
Molecular consequence: missense variant. On other transcripts: non-coding transcript variant (8).
Genome position (GRCh38, 1-based): chr22:26,465,494, G>C on the plus strand (C>G on the coding strand, the complement: HPS4 is on the minus strand). VCF-style: chr22-26465494-G-C. GRCh37 (hg19) VCF-style: chr22-26861460-G-C.
Other names: p.Ala255Gly; c.764C>G, p.Ala255Gly (NM_001349896.1, NM_001349898.2, NM_001349899.2 and 5 more transcripts); c.818C>G, p.Ala273Gly (NM_001349900.2, NM_001349901.1); c.749C>G, p.Ala250Gly (NM_152841.2); short protein forms A250G, A255G, A273G.
Identifiers: ClinVar variation 4542435 (VCV004542435.1).
Genomic context (GRCh38, chr22:26,465,494, plus strand): 5'-ACTCTCTGTGCACTCCATTACCTTGTCATCTGTTCCACCGGGAACTCGTGGAGACTAATG[G>C]CTTCCTCTTTGGTCACAAAAACAGGGATAATCTGGACATTCGGGGGCAATGCCGCTCCTG-3'
Protein context (NP_071364.4, residues 245-265): IIPVFVTKEE[Ala255Gly]ISLHEFPVEQ

ClinVar aggregate classification (germline): Uncertain significance (1 of 4 stars; one submission).

gnomAD v4.1: 2 of 1,614,082 alleles (0.00012%); highest among the groups gnomAD compares: South Asian, 0.0011%; no homozygotes.

Submission:

Mayo Clinic Laboratories, Mayo Clinic
Classification: Uncertain significance. Last evaluated: 2025-10-30. Review status: criteria provided, single submitter. Criteria: ACMG Guidelines, 2015. Collection method: clinical testing. Allele origin: germline. Observed: 1 variant allele.
Comment: BP4_moderate, PM2_supporting